The following is an entry in ClinVar:

NC_000015.10:g.55224013del

Gene: RAB27A (RAB27A, member RAS oncogene family; minus strand). Cytogenetic location: 15q21.3.
Variant type: Deletion.
Genome position: GRCh38 VCF-style: chr15-55224011-GC-G. GRCh37 (hg19) VCF-style: chr15-55516209-GC-G.
Identifiers: ClinVar variation 2010396 (VCV002010396.5), dbSNP rs2542748548, ClinGen allele CA2580089794.

ClinVar aggregate classification (germline): Pathogenic (1 of 4 stars; one submission).

Conditions:
Griscelli syndrome type 2 (GS2). Also called: PAID SYNDROME; PARTIAL ALBINISM AND IMMUNODEFICIENCY SYNDROME; GRISCELLI SYNDROME WITH HEMOPHAGOCYTIC SYNDROME. Identifiers: Orphanet 381, Orphanet 79477, MedGen C1868679, MONDO:0011872, OMIM 607624.

Submission:

Labcorp Genetics (formerly Invitae), Labcorp
Classification: Pathogenic for Griscelli syndrome type 2. Last evaluated: 2022-06-24. Review status: criteria provided, single submitter. Criteria: Invitae Variant Classification Sherloc (09022015). Collection method: clinical testing. Allele origin: germline.
Comment: This variant has not been reported in the literature in individuals affected with RAB27A-related conditions. Algorithms developed to predict the effect of sequence changes on RNA splicing suggest that this variant may disrupt the consensus splice site. For these reasons, this variant has been classified as Pathogenic. This variant is not present in population databases (gnomAD no frequency). This sequence change creates a premature translational stop signal (p.Ser115Thrfs*14) in the RAB27A gene. It is expected to result in an absent or disrupted protein product. Loss-of-function variants in RAB27A are known to be pathogenic (PMID: 10835631, 23160464).

Literature cited by the submitters: PubMed 10835631; PubMed 23160464.